The following is an entry in ClinVar:

ClinVar aggregate classification (germline): Conflicting classifications of pathogenicity. Review status: criteria provided, conflicting classifications (1 of 4 stars). 3 submissions from 3 submitters: Uncertain significance (1); Likely benign (2). Last evaluated 2025-06-12.

Allele frequency attached by ClinVar (database versions not stated): gnomAD 0.00007; ESP Exome Variant Server 0.00008; gnomAD exomes 0.00009; ExAC 0.00015.
gnomAD v4.1: 137 of 1,614,016 alleles (0.0085%); highest among the groups gnomAD compares: Middle Eastern, 0.016%; no homozygotes.

Submissions (3):

Labcorp Genetics (formerly Invitae), Labcorp
Classification: Uncertain significance. Last evaluated: 2025-06-12. Review status: criteria provided, single submitter. Criteria: Invitae Variant Classification Sherloc (09022015). Collection method: clinical testing. Allele origin: germline.
Comment: This sequence change replaces isoleucine, which is neutral and non-polar, with valine, which is neutral and non-polar, at codon 494 of the ATP2B2 protein (p.Ile494Val). The frequency data for this variant in the population databases is considered unreliable, as metrics indicate poor data quality at this position in the gnomAD database. This variant has not been reported in the literature in individuals affected with ATP2B2-related conditions. ClinVar contains an entry for this variant (Variation ID: 2286244). Invitae Evidence Modeling of protein sequence and biophysical properties (such as structural, functional, and spatial information, amino acid conservation, physicochemical variation, residue mobility, and thermodynamic stability) indicates that this missense variant is not expected to disrupt ATP2B2 protein function with a negative predictive value of 80%. In summary, the available evidence is currently insufficient to determine the role of this variant in disease. Therefore, it has been classified as a Variant of Uncertain Significance.

Blueprint Genetics
Classification: Likely benign. Last evaluated: 2024-09-17. Review status: criteria provided, single submitter. Criteria: ACMG Guidelines, 2015. Collection method: clinical testing. Allele origin: germline.

Ambry Genetics
Classification: Likely benign. Last evaluated: 2021-09-01. Review status: criteria provided, single submitter. Criteria: Ambry Variant Classification Scheme 2023. Collection method: clinical testing. Allele origin: germline.

NM_001001331.4(ATP2B2):c.1615A>G (p.Ile539Val)

Gene: ATP2B2 (ATPase plasma membrane Ca2+ transporting 2; minus strand). Cytogenetic location: 3p25.3.
Variant type: single nucleotide variant.
Coding change: c.1615A>G on transcript NM_001001331.4 (MANE Select); coding-DNA position 1615, A replaced by G.
Protein change: p.Ile539Val; replaces isoleucine 539 with valine.
Molecular consequence: missense variant.
Genome position (GRCh38, 1-based): chr3:10,371,853, T>C on the plus strand (A>G on the coding strand, the complement: ATP2B2 is on the minus strand). VCF-style: chr3-10371853-T-C. GRCh37 (hg19) VCF-style: chr3-10413537-T-C.
Other names: c.1480A>G, p.Ile494Val (NM_001330611.3, NM_001353564.1, NM_001363862.1 and 1 more transcripts); short protein forms I494V, I539V.
Identifiers: ClinVar variation 2286244 (VCV002286244.6), dbSNP rs56120857, ClinGen allele CA2253629.